The following is an entry in ClinVar:

ClinVar aggregate classification (germline): Uncertain significance (1 of 4 stars; one submission).

Submission:

Labcorp Genetics (formerly Invitae), Labcorp
Classification: Uncertain significance. Last evaluated: 2025-01-20. Review status: criteria provided, single submitter. Criteria: Invitae Variant Classification Sherloc (09022015). Collection method: clinical testing. Allele origin: germline.
Comment: This sequence change disrupts the translational stop signal of the GPX4 mRNA. It is expected to extend the length of the GPX4 protein by an uncertain number of additional amino acid residues. This variant is not present in population databases (gnomAD no frequency). This variant has not been reported in the literature in individuals affected with GPX4-related conditions. Experimental studies and prediction algorithms are not available or were not evaluated, and the functional significance of this variant is currently unknown. In summary, the available evidence is currently insufficient to determine the role of this variant in disease. Therefore, it has been classified as a Variant of Uncertain Significance.

NC_000019.10:g.1106571_1106795del

Gene: GPX4 (glutathione peroxidase 4; plus strand). Cytogenetic location: 19p13.3.
Variant type: Deletion.
Genome position: GRCh38: chr19:1,106,571-1,106,795. GRCh37 (hg19): chr19:1,106,570-1,106,794.
Identifiers: ClinVar variation 3726905 (VCV003726905.2).